The following is an entry in ClinVar:

NC_000016.9:g.(?_89833539)_(89842233_?)del

Gene: FANCA (FA complementation group A; minus strand). Cytogenetic location: 16q24.3.
Variant type: Deletion.
Identifiers: ClinVar variation 2422411 (VCV002422411.4).

ClinVar aggregate classification (germline): Pathogenic (1 of 4 stars; one submission).

Conditions:
Fanconi anemia (FA). Also called: Fanconi's anemia. Identifiers: Orphanet 84, MedGen C0015625, MeSH D005199, MONDO:0019391.

Submission:

Labcorp Genetics (formerly Invitae), Labcorp
Classification: Pathogenic for Fanconi anemia. Last evaluated: 2022-10-15. Review status: criteria provided, single submitter. Criteria: Invitae Variant Classification Sherloc (09022015). Collection method: clinical testing. Allele origin: germline.
Comment: For these reasons, this variant has been classified as Pathogenic. This variant has not been reported in the literature in individuals affected with FANCA-related conditions. This variant is a gross deletion of the genomic region encompassing exon(s) 21-27 of the FANCA gene. This deletion is out-of-frame, and is expected to create a premature termination codon and result in an absent or disrupted protein product. Loss-of-function variants in FANCA are known to be pathogenic (PMID: 19367192).

Literature cited by the submitters: PubMed 19367192.